The following is an entry in ClinVar:

NM_001364905.1(LRBA):c.5012C>T (p.Ser1671Leu)

Gene: LRBA (LPS responsive beige-like anchor protein; minus strand). Cytogenetic location: 4q31.3.
Variant type: single nucleotide variant.
Coding change: c.5012C>T on transcript NM_001364905.1 (MANE Select); coding-DNA position 5012, C replaced by T.
Protein change: p.Ser1671Leu; replaces serine 1671 with leucine.
Molecular consequence: missense variant.
Genome position (GRCh38, 1-based): chr4:150,828,339, G>A on the plus strand (C>T on the coding strand, the complement: LRBA is on the minus strand). VCF-style: chr4-150828339-G-A. GRCh37 (hg19) VCF-style: chr4-151749491-G-A.
Other names: c.5012C>T, p.Ser1671Leu (NM_001199282.3, NM_001367550.1, NM_006726.5); short protein forms S1671L.
Identifiers: ClinVar variation 1036708 (VCV001036708.6), dbSNP rs137952521, ClinGen allele CA3102601.

ClinVar aggregate classification (germline): Uncertain significance. Review status: criteria provided, multiple submitters, no conflicts (2 of 4 stars). 2 submissions from 2 submitters: Uncertain significance (2). Last evaluated 2025-08-30.

Conditions:
Inborn genetic diseases. Identifiers: MedGen C0950123, MeSH D030342.
Combined immunodeficiency due to LRBA deficiency. Also called: Common variable immunodeficiency 8, with autoimmunity. Identifiers: Orphanet 445018, MedGen C3553512, MONDO:0013863, OMIM 614700.

Allele frequency attached by ClinVar (database versions not stated): gnomAD 0.00014 and 0.00013; ESP Exome Variant Server 0.00015; gnomAD exomes 0.00001 and 0.00002; ExAC 0.00002; TOPMed 0.00012.
gnomAD v4.1: 40 of 1,614,012 alleles (0.0025%); highest among the groups gnomAD compares: African/African-American, 0.052%; no homozygotes.

Submissions (2):

Ambry Genetics
Classification: Uncertain significance for Inborn genetic diseases. Last evaluated: 2025-08-30. Review status: criteria provided, single submitter. Criteria: Ambry Variant Classification Scheme 2023. Collection method: clinical testing. Allele origin: germline.

Labcorp Genetics (formerly Invitae), Labcorp
Classification: Uncertain significance for Combined immunodeficiency due to LRBA deficiency. Last evaluated: 2024-10-17. Review status: criteria provided, single submitter. Criteria: Invitae Variant Classification Sherloc (09022015). Collection method: clinical testing. Allele origin: germline.
Comment: This sequence change replaces serine, which is neutral and polar, with leucine, which is neutral and non-polar, at codon 1671 of the LRBA protein (p.Ser1671Leu). This variant is present in population databases (rs137952521, gnomAD 0.03%). This variant has not been reported in the literature in individuals affected with LRBA-related conditions. ClinVar contains an entry for this variant (Variation ID: 1036708). Invitae Evidence Modeling of protein sequence and biophysical properties (such as structural, functional, and spatial information, amino acid conservation, physicochemical variation, residue mobility, and thermodynamic stability) indicates that this missense variant is not expected to disrupt LRBA protein function with a negative predictive value of 80%. In summary, the available evidence is currently insufficient to determine the role of this variant in disease. Therefore, it has been classified as a Variant of Uncertain Significance.